The following is an entry in ClinVar:

ClinVar aggregate classification (germline): Uncertain significance (1 of 4 stars; one submission).

Allele frequency attached by ClinVar (database versions not stated): TOPMed below 0.00001; ExAC 0.00001; gnomAD exomes 0.00001 and 0.00002.
gnomAD v4.1: 8 of 1,592,240 alleles (0.0005%); highest among the groups gnomAD compares: Middle Eastern, 0.017%; no homozygotes.

Submission:

Labcorp Genetics (formerly Invitae), Labcorp
Classification: Uncertain significance. Last evaluated: 2021-04-17. Review status: criteria provided, single submitter. Criteria: Invitae Variant Classification Sherloc (09022015). Collection method: clinical testing. Allele origin: germline.
Comment: In summary, the available evidence is currently insufficient to determine the role of this variant in disease. Therefore, it has been classified as a Variant of Uncertain Significance. Algorithms developed to predict the effect of missense changes on protein structure and function are either unavailable or do not agree on the potential impact of this missense change (SIFT: "Deleterious"; PolyPhen-2: "Benign"; Align-GVGD: "Class C0"). This variant has not been reported in the literature in individuals with MKL1-related conditions. This variant is present in population databases (rs776624687, ExAC 0.002%). This sequence change replaces threonine with asparagine at codon 193 of the MKL1 protein (p.Thr193Asn). The threonine residue is moderately conserved and there is a small physicochemical difference between threonine and asparagine.

NM_020831.6(MRTFA):c.878C>A (p.Thr293Asn)

Gene: MRTFA (myocardin related transcription factor A; minus strand). Cytogenetic location: 22q13.1.
Variant type: single nucleotide variant.
Coding change: c.878C>A on transcript NM_020831.6 (MANE Select); coding-DNA position 878, C replaced by A.
Protein change: p.Thr293Asn; replaces threonine 293 with asparagine.
Molecular consequence: missense variant. On other transcripts: intron variant (1).
Genome position (GRCh38, 1-based): chr22:40,423,585, G>T on the plus strand (C>A on the coding strand, the complement: MRTFA is on the minus strand). VCF-style: chr22-40423585-G-T. GRCh37 (hg19) VCF-style: chr22-40819589-G-T.
Other names: c.578C>A, p.Thr193Asn (NM_001282660.2); c.878C>A, p.Thr293Asn (NM_001282662.3); c.683C>A, p.Thr228Asn (NM_001318139.2); c.777+621C>A (NM_001282661.3); short protein forms T193N, T228N, T293N.
Identifiers: ClinVar variation 1683136 (VCV001683136.8), dbSNP rs776624687, ClinGen allele CA10249847.